The following is an entry in ClinVar:

NM_000719.7(CACNA1C):c.5191A>G (p.Asn1731Asp)

Genes: CACNA1C (calcium voltage-gated channel subunit alpha1 C; plus strand), CACNA1C-AS1 (CACNA1C antisense RNA 1; minus strand). Cytogenetic location: 12p13.33.
Variant type: single nucleotide variant.
Coding change: c.5191A>G on transcript NM_000719.7 (MANE Select); coding-DNA position 5191, A replaced by G.
Protein change: p.Asn1731Asp; replaces asparagine 1731 with aspartic acid.
Molecular consequence: missense variant.
Genome position (GRCh38, 1-based): chr12:2,679,543, A>G. VCF-style: chr12-2679543-A-G. GRCh37 (hg19) VCF-style: chr12-2788709-A-G.
Other names: c.5335A>G, p.Asn1779Asp (NM_001129827.2, NM_199460.4); c.5314A>G, p.Asn1772Asp (NM_001129829.2); c.5191A>G, p.Asn1731Asp (NM_001129830.3, NM_001129840.2, NM_001129841.2 and 4 more transcripts); c.5275A>G, p.Asn1759Asp (NM_001129831.2); c.5251A>G, p.Asn1751Asp (NM_001129832.2); c.5248A>G, p.Asn1750Asp (NM_001129833.2, NM_001129834.2, NM_001129835.2); c.5242A>G, p.Asn1748Asp (NM_001129836.2); c.5215A>G, p.Asn1739Asp (NM_001129837.2, NM_001129838.2); and 3 more; short protein forms N1720D, N1737D, N1728D, N1739D, N1748D, N1751D, N1772D, N1779D.
Identifiers: ClinVar variation 1745916 (VCV001745916.8), dbSNP rs1028139438, ClinGen allele CA231611037.

ClinVar aggregate classification (germline): Uncertain significance. Review status: criteria provided, multiple submitters, no conflicts (2 of 4 stars). 3 submissions from 3 submitters: Uncertain significance (3). Last evaluated 2025-06-24.

Conditions:
Cardiovascular phenotype. Identifiers: MedGen CN230736.
Long QT syndrome (LQTS). Identifiers: MedGen C0023976, MeSH D008133, MONDO:0002442. Disease mechanism: loss of function. Inheritance: Various modes of inheritance.

Allele frequency attached by ClinVar (database versions not stated): TOPMed below 0.00001; gnomAD 0.00001.
gnomAD v4.1: 2 of 1,613,114 alleles (0.00012%); highest among the groups gnomAD compares: African/African-American, 0.0027%; no homozygotes.

Submissions (3):

Labcorp Genetics (formerly Invitae), Labcorp
Classification: Uncertain significance for Long QT syndrome. Last evaluated: 2025-06-24. Review status: criteria provided, single submitter. Criteria: Invitae Variant Classification Sherloc (09022015). Collection method: clinical testing. Allele origin: germline.
Comment: This sequence change replaces asparagine, which is neutral and polar, with aspartic acid, which is acidic and polar, at codon 1731 of the CACNA1C protein (p.Asn1731Asp). This variant is present in population databases (no rsID available, gnomAD 0.01%). This variant has not been reported in the literature in individuals affected with CACNA1C-related conditions. ClinVar contains an entry for this variant (Variation ID: 1745916). Invitae Evidence Modeling of protein sequence and biophysical properties (such as structural, functional, and spatial information, amino acid conservation, physicochemical variation, residue mobility, and thermodynamic stability) indicates that this missense variant is not expected to disrupt CACNA1C protein function with a negative predictive value of 80%. In summary, the available evidence is currently insufficient to determine the role of this variant in disease. Therefore, it has been classified as a Variant of Uncertain Significance.

GeneDx
Classification: Uncertain significance. Last evaluated: 2024-07-14. Review status: criteria provided, single submitter. Criteria: GeneDx Variant Classification Process June 2021. Collection method: clinical testing. Allele origin: germline. Affected: yes.
Comment: Not observed at significant frequency in large population cohorts (gnomAD); In silico analysis indicates that this missense variant does not alter protein structure/function; Has not been previously published as pathogenic or benign to our knowledge

Ambry Genetics
Classification: Uncertain significance for Cardiovascular phenotype. Last evaluated: 2021-12-29. Review status: criteria provided, single submitter. Criteria: Ambry Variant Classification Scheme 2023. Collection method: clinical testing. Allele origin: germline.
Comment: The p.N1731D variant (also known as c.5191A>G), located in coding exon 42 of the CACNA1C gene, results from an A to G substitution at nucleotide position 5191. The asparagine at codon 1731 is replaced by aspartic acid, an amino acid with highly similar properties. This amino acid position is not well conserved in available vertebrate species. In addition, this alteration is predicted to be tolerated by in silico analysis. Since supporting evidence is limited at this time, the clinical significance of this alteration remains unclear.